The following is an entry in ClinVar:

ClinVar aggregate classification (germline): Pathogenic (1 of 4 stars; one submission).

Conditions:
X-linked mixed hearing loss with perilymphatic gusher. Also called: Deafness, X-linked 2; NANCE DEAFNESS; PERILYMPHATIC GUSHER-DEAFNESS SYNDROME; SENSORINEURAL DEAFNESS, PROFOUND, WITH OR WITHOUT A CONDUCTIVE COMPONENT, ASSOCIATED WITH A UNIQUE DEVELOPMENTAL ABNORMALITY OF THE EAR; Gusher syndrome. Identifiers: Orphanet 383, MedGen C1844678, MONDO:0010576, OMIM 304400.

Submission:

Institute of Rare Diseases, West China Hospital, Sichuan University
Classification: Pathogenic for X-linked mixed hearing loss with perilymphatic gusher. Last evaluated: 2025-01-09. Review status: criteria provided, single submitter. Criteria: ClinGen HL ACMG Specifications v1. Collection method: research. Allele origin: germline. Affected: yes.
Comment: PM1;PVS1;PM3_Supporting;PM2_Supporting

NM_000307.5(POU3F4):c.877del (p.Leu293fs)

Gene: POU3F4 (POU class 3 homeobox 4; plus strand). Cytogenetic location: Xq21.1.
Variant type: Deletion.
Coding change: c.877del on transcript NM_000307.5 (MANE Select); coding-DNA position 877, one base deleted (C; older notation c.877delC).
Protein change: p.Leu293fs; shifts the reading frame from leucine 293.
Molecular consequence: frameshift variant.
Genome position (GRCh38, 1-based): chrX:83,509,201, C deleted. VCF-style (leftmost placement, unchanged base first): chrX-83509200-AC-A. GRCh37 (hg19) VCF-style: chrX-82764208-AC-A.
Other names: short protein forms L293fs.
Identifiers: ClinVar variation 3601682 (VCV003601682.1).
Genomic context (GRCh38, chrX:83,509,200, plus strand): 5'-CGCTGCACAGGGCCGCAAGCGCAAGAAGCGGACCTCCATCGAGGTGAGTGTCAAGGGCGT[AC>A]TGGAGACGCATTTCCTCAAGTGTCCCAAGCCTGCCGCGCAGGAGATCTCCTCGCTGGCAG-3'